The following is an entry in ClinVar:

ClinVar aggregate classification (germline): Uncertain significance (0 of 4 stars; one submission).

Conditions:
Muscle tissue disorder. Also called: muscle disorder; Muscle tissue disease; Muscle disorders; Muscular disease. Identifiers: MedGen CN294483, MONDO:0003939.

gnomAD v4.1: 12 of 152,288 alleles (0.0079%); highest among the groups gnomAD compares: Admixed American, 0.026%; no homozygotes.

Submission:

Joint Genome Diagnostic Labs from Nijmegen and Maastricht, Radboudumc and MUMC+
Classification: Uncertain significance for muscle disorder. Review status: no assertion criteria provided. Collection method: clinical testing. Allele origin: germline. Affected: yes.

NM_000426.4(LAMA2):c.1783-22904T>A

Gene: LAMA2 (laminin subunit alpha 2; plus strand). Cytogenetic location: 6q22.33.
Variant type: single nucleotide variant.
Coding change: c.1783-22904T>A on transcript NM_000426.4 (MANE Select); 22904 bases into the intron before coding-DNA position 1783, T replaced by A.
Molecular consequence: intron variant.
Genome position (GRCh38, 1-based): chr6:129,227,208, T>A. VCF-style: chr6-129227208-T-A. GRCh37 (hg19) VCF-style: chr6-129548353-T-A.
Other names: c.1783-22904T>A (NM_001079823.2).
Identifiers: ClinVar variation 3338133 (VCV003338133.1).